The following is an entry in ClinVar:

NC_000005.10:g.150374956_150374973del

Gene: TCOF1 (treacle ribosome biogenesis factor 1; plus strand). Cytogenetic location: 5q32.
Variant type: Deletion.
Genome position: GRCh38 VCF-style: chr5-150374951-CAGGCGAAGCCTTCAGGGA-C. GRCh37 (hg19) VCF-style: chr5-149754514-CAGGCGAAGCCTTCAGGGA-C.
Identifiers: ClinVar variation 2846635 (VCV002846635.3), dbSNP rs2533417332, ClinGen allele CA2578453050.

ClinVar aggregate classification (germline): Uncertain significance (1 of 4 stars; one submission).

Conditions:
Treacher Collins syndrome 1 (TCS1). Also called: TCOF1-Related Treacher Collins Syndrome. Identifiers: Orphanet 861, MedGen CN315775, MONDO:0007944, OMIM 154500.

Submission:

Labcorp Genetics (formerly Invitae), Labcorp
Classification: Uncertain significance for Treacher Collins syndrome 1. Last evaluated: 2025-01-20. Review status: criteria provided, single submitter. Criteria: Invitae Variant Classification Sherloc (09022015). Collection method: clinical testing. Allele origin: germline.
Comment: This variant, c.1281_1298del, results in the deletion of 6 amino acid(s) of the TCOF1 protein (p.Lys428_Ala433del), but otherwise preserves the integrity of the reading frame. This variant is not present in population databases (gnomAD no frequency). This variant has not been reported in the literature in individuals affected with TCOF1-related conditions. This variant has been observed in at least one individual who was not affected with TCOF1-related conditions (internal data). ClinVar contains an entry for this variant (Variation ID: 2846635). In summary, the available evidence is currently insufficient to determine the role of this variant in disease. Therefore, it has been classified as a Variant of Uncertain Significance.